The following is an entry in ClinVar:

NM_001365276.2(TNXB):c.8686G>T (p.Gly2896Trp)

Gene: TNXB (tenascin XB; minus strand). Cytogenetic location: 6p21.33.
Variant type: single nucleotide variant.
Coding change: c.8686G>T on transcript NM_001365276.2 (MANE Select); coding-DNA position 8686, G replaced by T.
Protein change: p.Gly2896Trp; replaces glycine 2896 with tryptophan.
Molecular consequence: missense variant.
Genome position (GRCh38, 1-based): chr6:32,053,493, C>A on the plus strand (G>T on the coding strand, the complement: TNXB is on the minus strand). VCF-style: chr6-32053493-C-A. GRCh37 (hg19) VCF-style: chr6-32021270-C-A.
Other names: c.9427G>T, p.Gly3143Trp (NM_001428335.1); c.8680G>T, p.Gly2894Trp (NM_019105.8); short protein forms G2894W, G2896W, G3143W.
Identifiers: ClinVar variation 3905259 (VCV003905259.10).

ClinVar aggregate classification (germline): Uncertain significance (1 of 4 stars; one submission).

gnomAD v4.1: 5 of 1,613,328 alleles (0.00031%); highest among the groups gnomAD compares: Non-Finnish European, 0.00042%; no homozygotes.

Submission:

CeGaT Center for Human Genetics Tuebingen
Classification: Uncertain significance. Last evaluated: 2025-05-01. Review status: criteria provided, single submitter. Criteria: CeGaT Center For Human Genetics Tuebingen Variant Classification Criteria Version 2. Collection method: clinical testing. Allele origin: germline. Affected: yes. Observed: 1 variant allele.
Comment: TNXB: PM2, BP4